The following is an entry in ClinVar:

NM_000553.6(WRN):c.581C>T (p.Ser194Phe)

Gene: WRN (WRN RecQ like helicase; plus strand). Cytogenetic location: 8p12.
Variant type: single nucleotide variant.
Coding change: c.581C>T on transcript NM_000553.6 (MANE Select); coding-DNA position 581, C replaced by T.
Protein change: p.Ser194Phe; replaces serine 194 with phenylalanine.
Molecular consequence: missense variant.
Genome position (GRCh38, 1-based): chr8:31,067,109, C>T. VCF-style: chr8-31067109-C-T. GRCh37 (hg19) VCF-style: chr8-30924625-C-T.
Other names: short protein forms S194F.
Identifiers: ClinVar variation 2904778 (VCV002904778.3), dbSNP rs776831463, ClinGen allele CA4704105.
Genomic context (GRCh38, chr8:31,067,109, plus strand): 5'-CCTGGAGCCTTAACAGTCTGGTTAAACACCTCTTAGGTAAACAGCTCCTGAAAGACAAGT[C>T]TATCCGCTGTAGCAATTGGAGTAAATTTCCTCTCACTGAGGACCAGAAACTGTATGCAGC-3'
Protein context (NP_000544.2, residues 184-204): LLGKQLLKDK[Ser194Phe]IRCSNWSKFP

ClinVar aggregate classification (germline): Uncertain significance (1 of 4 stars; one submission).

Conditions:
Werner syndrome (WRN). Identifiers: Orphanet 902, MedGen C0043119, MONDO:0010196, OMIM 277700.

Allele frequency attached by ClinVar (database versions not stated): TOPMed below 0.00001; ExAC 0.00001.
gnomAD v4.1: 2 of 1,613,956 alleles (0.00012%); highest among the groups gnomAD compares: Non-Finnish European, 0.00017%; no homozygotes.

Submission:

Labcorp Genetics (formerly Invitae), Labcorp
Classification: Uncertain significance for Werner syndrome. Last evaluated: 2023-12-04. Review status: criteria provided, single submitter. Criteria: Invitae Variant Classification Sherloc (09022015). Collection method: clinical testing. Allele origin: germline.
Comment: This sequence change replaces serine, which is neutral and polar, with phenylalanine, which is neutral and non-polar, at codon 194 of the WRN protein (p.Ser194Phe). This variant is present in population databases (rs776831463, gnomAD 0.0009%). This variant has not been reported in the literature in individuals affected with WRN-related conditions. An algorithm developed to predict the effect of missense changes on protein structure and function (PolyPhen-2) suggests that this variant is likely to be tolerated. In summary, the available evidence is currently insufficient to determine the role of this variant in disease. Therefore, it has been classified as a Variant of Uncertain Significance.